The following is an entry in ClinVar:

ClinVar aggregate classification (germline): Benign. Review status: criteria provided, single submitter (1 of 4 stars). 2 submissions from 2 submitters: Benign (1). 1 of the submissions does not count toward it. Last evaluated 2025-10-18.

Conditions:
MBTPS1-related disorder. Also called: MBTPS1-related condition.

Allele frequency attached by ClinVar (database versions not stated): ExAC 0.00017; 1000 Genomes Project 30x 0.00047; 1000 Genomes Project 0.00060; ESP Exome Variant Server 0.00077.
gnomAD v4.1: 164 of 1,614,196 alleles (0.01%); highest among the groups gnomAD compares: African/African-American, 0.19%; 1 homozygote.

Submissions (2):

Labcorp Genetics (formerly Invitae), Labcorp
Classification: Benign. Last evaluated: 2025-10-18. Review status: criteria provided, single submitter. Criteria: Invitae Variant Classification Sherloc (09022015). Collection method: clinical testing. Allele origin: germline.

PreventionGenetics, part of Exact Sciences
Classification: Likely benign for MBTPS1-related condition. Last evaluated: 2023-07-30. Review status: no assertion criteria provided. Collection method: clinical testing. Allele origin: germline. Not counted in ClinVar's aggregate classification.
Comment: This variant is classified as likely benign based on ACMG/AMP sequence variant interpretation guidelines (Richards et al. 2015 PMID: 25741868, with internal and published modifications).

NM_003791.4(MBTPS1):c.1179C>G (p.Thr393=)

Gene: MBTPS1 (membrane bound transcription factor peptidase, site 1; minus strand). Cytogenetic location: 16q23.3.
Variant type: single nucleotide variant.
Coding change: c.1179C>G on transcript NM_003791.4 (MANE Select); coding-DNA position 1179, C replaced by G.
Protein change: p.Thr393=; no amino-acid change (threonine 393 retained).
Molecular consequence: synonymous variant.
Genome position (GRCh38, 1-based): chr16:84,085,090, G>C on the plus strand (C>G on the coding strand, the complement: MBTPS1 is on the minus strand). VCF-style: chr16-84085090-G-C. GRCh37 (hg19) VCF-style: chr16-84118695-G-C.
Other names: c.1179C>G (NM_003791.3).
Identifiers: ClinVar variation 2714160 (VCV002714160.5), dbSNP rs141095084, ClinGen allele CA8201424.